The following is an entry in ClinVar:

ClinVar aggregate classification (germline): Uncertain significance. Review status: criteria provided, multiple submitters, no conflicts (2 of 4 stars). 8 submissions from 8 submitters: Uncertain significance (8). Last evaluated 2025-08-07.

Conditions:
Charcot-Marie-Tooth disease type 4K. Also called: CHARCOT-MARIE-TOOTH DISEASE, DEMYELINATING, AUTOSOMAL RECESSIVE, TYPE 4K; CHARCOT-MARIE-TOOTH NEUROPATHY, DEMYELINATING, AUTOSOMAL RECESSIVE, TYPE 4K; CHARCOT-MARIE-TOOTH DISEASE, DEMYELINATING, TYPE 4K. Identifiers: Orphanet 391351, MedGen C4225246, MONDO:0014733, OMIM 616684.
Mitochondrial complex IV deficiency, nuclear type 1 (MC4DN1). Also called: COX DEFICIENCY; Mitochondrial complex IV deficiency; Complex 4 mitochondrial respiratory chain deficiency; Deficiency of mitochondrial respiratory chain complex4; Complex IV deficiency. Identifiers: MedGen C5435656, MONDO:0700250, OMIM 220110. Disease mechanism: loss of function.
Inborn genetic diseases. Identifiers: MedGen C0950123, MeSH D030342.
Leigh syndrome (NULS). Also called: LEIGH SYNDROME, NUCLEAR; Leigh Syndrome (mtDNA deletion); Leigh's necrotizing encephalopathy; Leigh's disease; Leigh's syndrome; Subacute necrotizing encephalopathy. Identifiers: Orphanet 506, MedGen C2931891, MONDO:0009723, OMIM 256000.

Allele frequency attached by ClinVar (database versions not stated): ExAC 0.00003; gnomAD exomes 0.00005 and 0.00009; TOPMed 0.00006.
gnomAD v4.1: 140 of 1,612,590 alleles (0.0087%); highest among the groups gnomAD compares: African/African-American, 0.013%; no homozygotes.

Submissions (8):

Mayo Clinic Laboratories, Mayo Clinic
Classification: Uncertain significance. Last evaluated: 2025-08-07. Review status: criteria provided, single submitter. Criteria: ACMG Guidelines, 2015. Collection method: clinical testing. Allele origin: germline. Observed: 2 variant alleles.
Comment: PM2_moderate

CeGaT Center for Human Genetics Tuebingen
Classification: Uncertain significance. Last evaluated: 2024-11-01. Review status: criteria provided, single submitter. Criteria: CeGaT Center For Human Genetics Tuebingen Variant Classification Criteria Version 2. Collection method: clinical testing. Allele origin: germline. Affected: yes. Observed: 1 variant allele.
Comment: SURF1: PM2, PP4

Blueprint Genetics
Classification: Uncertain significance. Last evaluated: 2023-11-07. Review status: criteria provided, single submitter. Criteria: ACMG Guidelines, 2015. Collection method: clinical testing. Allele origin: germline.

Ambry Genetics
Classification: Uncertain significance for Inborn genetic diseases. Last evaluated: 2022-12-14. Review status: criteria provided, single submitter. Criteria: Ambry Variant Classification Scheme 2023. Collection method: clinical testing. Allele origin: germline.

Labcorp Genetics (formerly Invitae), Labcorp
Classification: Uncertain significance for Leigh syndrome. Last evaluated: 2022-06-15. Review status: criteria provided, single submitter. Criteria: Invitae Variant Classification Sherloc (09022015). Collection method: clinical testing. Allele origin: germline.
Comment: This sequence change replaces aspartic acid, which is acidic and polar, with asparagine, which is neutral and polar, at codon 108 of the SURF1 protein (p.Asp108Asn). This variant is present in population databases (no rsID available, gnomAD 0.01%). This variant has not been reported in the literature in individuals affected with SURF1-related conditions. ClinVar contains an entry for this variant (Variation ID: 215231). Algorithms developed to predict the effect of missense changes on protein structure and function are either unavailable or do not agree on the potential impact of this missense change (SIFT: "Deleterious"; PolyPhen-2: "Benign"; Align-GVGD: "Class C0"). In summary, the available evidence is currently insufficient to determine the role of this variant in disease. Therefore, it has been classified as a Variant of Uncertain Significance.

Fulgent Genetics
Classification: Uncertain significance for Mitochondrial complex IV deficiency, nuclear type 1; Charcot-Marie-Tooth disease type 4K. Last evaluated: 2022-04-07. Review status: criteria provided, single submitter. Criteria: ACMG Guidelines, 2015. Collection method: clinical testing. Allele origin: unknown.

Illumina Laboratory Services, Illumina
Classification: Uncertain significance for Leigh syndrome. Last evaluated: 2017-04-28. Review status: criteria provided, single submitter. Criteria: ICSL Variant Classification Criteria 13 December 2019. Collection method: clinical testing. Allele origin: germline.

GeneDx
Classification: Uncertain significance. Last evaluated: 2014-04-16. Review status: criteria provided, single submitter. Criteria: GeneDx Variant Classification (06012015). Collection method: clinical testing. Allele origin: germline. Affected: yes.
Comment: p.Asp108Asn (GAC>AAC): c.322 G>A in exon 4 of the SURF1 gene (NM_003172.2) The D108N variant has not been published as a mutation, nor has it been reported as a benign polymorphism to our knowledge. The D108N variant is a semi-conservative amino acid substitution, which may impact secondary protein structure as these residues differ in some properties. This substitution occurs at a position that is conserved across species. In silico analysis predicts this variant likely does not alter the protein structure/function. Therefore, based on the currently available information, it is unclear whether this variant is a pathogenic mutation or a rare benign variant. The variant is found in MITONUC-MITOP panel(s).

NM_003172.4(SURF1):c.322G>A (p.Asp108Asn)

Gene: SURF1 (SURF1 cytochrome c oxidase assembly factor; minus strand). Cytogenetic location: 9q34.2.
Variant type: single nucleotide variant.
Coding change: c.322G>A on transcript NM_003172.4 (MANE Select); coding-DNA position 322, G replaced by A.
Protein change: p.Asp108Asn; replaces aspartic acid 108 with asparagine.
Molecular consequence: missense variant. On other transcripts: 5 prime UTR variant (1).
Genome position (GRCh38, 1-based): chr9:133,354,660, C>T on the plus strand (G>A on the coding strand, the complement: SURF1 is on the minus strand). VCF-style: chr9-133354660-C-T. GRCh37 (hg19) VCF-style: chr9-136221515-C-T.
Other names: p.Asp108Asn; c.-6G>A (NM_001280787.1); short protein forms D108N.
Identifiers: ClinVar variation 215231 (VCV000215231.27), dbSNP rs863224226, ClinGen allele CA321038.
Genomic context (GRCh38, chr9:133,354,660, plus strand): 5'-CAGGGCTCTGCTGTTGAACTCAAGTAAAACAGGCCCTAGGGGGGCAGCCATGCACTCACT[C>T]GGCTGGCAGAGGGACAGGCTCAGCCAGAACTCTGGACTCCAACTCTGCAATCAGGTTCAG-3'
Protein context (NP_003163.1, residues 98-118): VLAEPVPLPA[Asp108Asn]PMELKNLEYR